The following is an entry in ClinVar:

ClinVar aggregate classification (germline): Uncertain significance (1 of 4 stars; one submission).

Conditions:
Osteogenesis imperfecta type 8 (OI8). Identifiers: MedGen C1970458, MONDO:0012581, OMIM 610915.

Allele frequency attached by ClinVar (database versions not stated): TOPMed below 0.00001.

Submission:

Labcorp Genetics (formerly Invitae), Labcorp
Classification: Uncertain significance for Osteogenesis imperfecta type 8. Last evaluated: 2024-07-10. Review status: criteria provided, single submitter. Criteria: Invitae Variant Classification Sherloc (09022015). Collection method: clinical testing. Allele origin: germline.
Comment: This sequence change replaces phenylalanine, which is neutral and non-polar, with leucine, which is neutral and non-polar, at codon 197 of the P3H1 protein (p.Phe197Leu). This variant is not present in population databases (gnomAD no frequency). This variant has not been reported in the literature in individuals affected with P3H1-related conditions. Advanced modeling of protein sequence and biophysical properties (such as structural, functional, and spatial information, amino acid conservation, physicochemical variation, residue mobility, and thermodynamic stability) performed at Invitae indicates that this missense variant is not expected to disrupt P3H1 protein function with a negative predictive value of 80%. In summary, the available evidence is currently insufficient to determine the role of this variant in disease. Therefore, it has been classified as a Variant of Uncertain Significance.

NM_022356.4(P3H1):c.589T>C (p.Phe197Leu)

Gene: P3H1 (prolyl 3-hydroxylase 1; minus strand). Cytogenetic location: 1p34.2.
Variant type: single nucleotide variant.
Coding change: c.589T>C on transcript NM_022356.4 (MANE Select); coding-DNA position 589, T replaced by C.
Protein change: p.Phe197Leu; replaces phenylalanine 197 with leucine.
Molecular consequence: missense variant.
Genome position (GRCh38, 1-based): chr1:42,762,352, A>G on the plus strand (T>C on the coding strand, the complement: P3H1 is on the minus strand). VCF-style: chr1-42762352-A-G. GRCh37 (hg19) VCF-style: chr1-43228023-A-G.
Other names: c.589T>C, p.Phe197Leu (NM_001146289.2, NM_001243246.2); short protein forms F197L.
Identifiers: ClinVar variation 2731900 (VCV002731900.3), dbSNP rs979990746, ClinGen allele CA21249152.